The following is an entry in ClinVar:

ClinVar aggregate classification (germline): Likely benign. Review status: criteria provided, multiple submitters, no conflicts (2 of 4 stars). 2 submissions from 2 submitters: Likely benign (2). Last evaluated 2025-10-15.

Conditions:
CACNB2-related disorder. Also called: CACNB2-related condition.
Cardiovascular phenotype. Identifiers: MedGen CN230736.

gnomAD v4.1: 2 of 1,614,156 alleles (0.00012%); highest among the groups gnomAD compares: Non-Finnish European, 0.000085%; no homozygotes.

Submissions (2):

PreventionGenetics, part of Exact Sciences
Classification: Likely benign for CACNB2-related condition. Last evaluated: 2025-10-15. Review status: criteria provided, single submitter. Criteria: ACMG Guidelines, 2015. Collection method: clinical testing. Allele origin: germline.
Comment: This variant is classified as likely benign based on ACMG/AMP sequence variant interpretation guidelines (Richards et al. 2015 PMID: 25741868, with internal and published modifications).

Ambry Genetics
Classification: Likely benign for Cardiovascular phenotype. Last evaluated: 2020-02-09. Review status: criteria provided, single submitter. Criteria: Ambry Variant Classification Scheme 2023. Collection method: clinical testing. Allele origin: germline.

NM_201596.3(CACNB2):c.738T>C (p.Pro246=)

Gene: CACNB2 (calcium voltage-gated channel auxiliary subunit beta 2; plus strand). Cytogenetic location: 10p12.31.
Variant type: single nucleotide variant.
Coding change: c.738T>C on transcript NM_201596.3 (MANE Select); coding-DNA position 738, T replaced by C.
Protein change: p.Pro246=; no amino-acid change (proline 246 retained).
Molecular consequence: synonymous variant. On other transcripts: intron variant (6).
Genome position (GRCh38, 1-based): chr10:18,514,303, T>C. VCF-style: chr10-18514303-T-C. GRCh37 (hg19) VCF-style: chr10-18803232-T-C.
Other names: c.573T>C, p.Pro191= (NM_000724.4); c.594T>C, p.Pro198= (NM_201570.3); c.654T>C, p.Pro218= (NM_201571.4); c.576T>C, p.Pro192= (NM_201590.3); c.587-208T>C (NM_001167945.2); c.587-677T>C (NM_201572.4); c.671-208T>C (NM_201593.3); c.671-677T>C (NM_201597.3); and 2 more.
Identifiers: ClinVar variation 1749544 (VCV001749544.3), dbSNP rs2494510603, ClinGen allele CA468439906.
Genomic context (GRCh38, chr10:18,514,303, plus strand): 5'-CATAGATGCTACTGGCTTAGATGCAGAAGAAAATGATATTCCAGCAAACCACCGCTCCCC[T>C]AAACCCAGTGCAAACAGTGTAACGTCACCCCACTCCAAAGAGAAAAGAATGCCCTTCTTT-3'
Protein context (NP_963890.2, residues 236-256): ENDIPANHRS[Pro246=]KPSANSVTSP